The following is an entry in ClinVar:

NM_153033.5(KCTD7):c.231G>T (p.Leu77Phe)

Gene: KCTD7 (potassium channel tetramerization domain containing 7; plus strand). Cytogenetic location: 7q11.21.
Variant type: single nucleotide variant.
Coding change: c.231G>T on transcript NM_153033.5 (MANE Select); coding-DNA position 231, G replaced by T.
Protein change: p.Leu77Phe; replaces leucine 77 with phenylalanine.
Molecular consequence: missense variant.
Genome position (GRCh38, 1-based): chr7:66,633,361, G>T. VCF-style: chr7-66633361-G-T. GRCh37 (hg19) VCF-style: chr7-66098348-G-T.
Other names: c.231G>T, p.Leu77Phe (NM_001167961.2); short protein forms L77F.
Identifiers: ClinVar variation 1372843 (VCV001372843.8), dbSNP rs1786499355, ClinGen allele CA367695608.

ClinVar aggregate classification (germline): Uncertain significance (1 of 4 stars; one submission).

Conditions:
Progressive myoclonic epilepsy type 3. Also called: KCTD7-Related Progressive Myoclonic Epilepsy; CEROID LIPOFUSCINOSIS, NEURONAL, 14; EPILEPSY, PROGRESSIVE MYOCLONIC, 3, WITH OR WITHOUT INTRACELLULAR INCLUSIONS; EPILEPSY, PROGRESSIVE MYOCLONIC, 3, WITHOUT INTRACELLULAR INCLUSIONS. Identifiers: Orphanet 263516, MedGen C2673257, MONDO:0012721, OMIM 611726.

Allele frequency attached by ClinVar (database versions not stated): TOPMed below 0.00001.

Submission:

Labcorp Genetics (formerly Invitae), Labcorp
Classification: Uncertain significance for Progressive myoclonic epilepsy type 3. Last evaluated: 2024-02-17. Review status: criteria provided, single submitter. Criteria: Invitae Variant Classification Sherloc (09022015). Collection method: clinical testing. Allele origin: germline.
Comment: This sequence change replaces leucine, which is neutral and non-polar, with phenylalanine, which is neutral and non-polar, at codon 77 of the KCTD7 protein (p.Leu77Phe). This variant is not present in population databases (gnomAD no frequency). This variant has not been reported in the literature in individuals affected with KCTD7-related conditions. ClinVar contains an entry for this variant (Variation ID: 1372843). Advanced modeling of protein sequence and biophysical properties (such as structural, functional, and spatial information, amino acid conservation, physicochemical variation, residue mobility, and thermodynamic stability) performed at Invitae indicates that this missense variant is not expected to disrupt KCTD7 protein function with a negative predictive value of 80%. In summary, the available evidence is currently insufficient to determine the role of this variant in disease. Therefore, it has been classified as a Variant of Uncertain Significance.